The following is an entry in ClinVar:

ClinVar aggregate classification (germline): Uncertain significance (1 of 4 stars; one submission).

Conditions:
Combined immunodeficiency due to LRBA deficiency. Also called: Common variable immunodeficiency 8, with autoimmunity. Identifiers: Orphanet 445018, MedGen C3553512, MONDO:0013863, OMIM 614700.

Allele frequency attached by ClinVar (database versions not stated): gnomAD exomes below 0.00001.
gnomAD v4.1: 11 of 1,609,962 alleles (0.00068%); highest among the groups gnomAD compares: Non-Finnish European, 0.00076%; no homozygotes.

Submission:

Labcorp Genetics (formerly Invitae), Labcorp
Classification: Uncertain significance for Combined immunodeficiency due to LRBA deficiency. Last evaluated: 2019-01-04. Review status: criteria provided, single submitter. Criteria: Invitae Variant Classification Sherloc (09022015). Collection method: clinical testing. Allele origin: germline.
Comment: In summary, the available evidence is currently insufficient to determine the role of this variant in disease. Therefore, it has been classified as a Variant of Uncertain Significance. Algorithms developed to predict the effect of sequence changes on RNA splicing suggest that this variant may create or strengthen a splice site, but this prediction has not been confirmed by published transcriptional studies. Algorithms developed to predict the effect of missense changes on protein structure and function are either unavailable or do not agree on the potential impact of this missense change (SIFT: "Tolerated"; PolyPhen-2: "Benign"; Align-GVGD: "Class C0"). This variant has not been reported in the literature in individuals with LRBA-related conditions. This variant is not present in population databases (ExAC no frequency). This sequence change replaces isoleucine with methionine at codon 1497 of the LRBA protein (p.Ile1497Met). The isoleucine residue is weakly conserved and there is a small physicochemical difference between isoleucine and methionine.

NM_001364905.1(LRBA):c.4491A>G (p.Ile1497Met)

Gene: LRBA (LPS responsive beige-like anchor protein; minus strand). Cytogenetic location: 4q31.3.
Variant type: single nucleotide variant.
Coding change: c.4491A>G on transcript NM_001364905.1 (MANE Select); coding-DNA position 4491, A replaced by G.
Protein change: p.Ile1497Met; replaces isoleucine 1497 with methionine.
Molecular consequence: missense variant.
Genome position (GRCh38, 1-based): chr4:150,844,178, T>C on the plus strand (A>G on the coding strand, the complement: LRBA is on the minus strand). VCF-style: chr4-150844178-T-C. GRCh37 (hg19) VCF-style: chr4-151765330-T-C.
Other names: c.4491A>G, p.Ile1497Met (NM_001199282.3, NM_001367550.1, NM_006726.5); short protein forms I1497M.
Identifiers: ClinVar variation 840947 (VCV000840947.9), dbSNP rs1188950363, ClinGen allele CA358450650.
Genomic context (GRCh38, chr4:150,844,178, plus strand): 5'-TGCCCTAAGCCGATTAATATCCATGTCCTGTAGAAGCCTGTCAAGATCTCTTACTGGAGA[T>C]ATACCGCCAGTCACAATGTCCACTGGGCTCTATTTAAGATTAAAAAAAAATTGTATATAT-3'
Protein context (NP_001351834.1, residues 1487-1507): KSPVDIVTGG[Ile1497Met]SPVRDLDRLL